The following is an entry in ClinVar:

ClinVar aggregate classification (germline): Pathogenic (1 of 4 stars; one submission).

Conditions:
Familial intrahepatic cholestasis. Identifiers: Orphanet 284385, MedGen CN296401, MONDO:0017290.

Submission:

Genomenon, Inc
Classification: Pathogenic for Familial intrahepatic cholestasis. Last evaluated: 2026-04-14. Review status: criteria provided, single submitter. Criteria: Genomenon Sequence Variant Interpretation Standards - Updated. Collection method: curation. Allele origin: germline. Affected: yes.
Comment: ABCB11 p.Tyr1041Ter (c.3123T>A) is a nonsense variant that introduces a premature stop codon at amino acid position 1041, creating a truncated protein that is predicted to undergo nonsense-mediated mRNA decay. This variant has been observed in at least one proband with an ABCB11-related disorder (PMID:35780807;32087350;25085279). It is absent or not present at a significant frequency in gnomAD. In conclusion, we classify ABCB11 p.Tyr1041Ter (c.3123T>A) as a pathogenic variant.

Literature cited by the submitters: PubMed 35780807; PubMed 32087350; PubMed 25085279.

NM_003742.4(ABCB11):c.3123T>A (p.Tyr1041Ter)

Gene: ABCB11 (ATP binding cassette subfamily B member 11; minus strand). Cytogenetic location: 2q31.1.
Variant type: single nucleotide variant.
Coding change: c.3123T>A on transcript NM_003742.4 (MANE Select); coding-DNA position 3123, T replaced by A.
Protein change: p.Tyr1041Ter; replaces tyrosine 1041 with a stop codon.
Molecular consequence: nonsense.
Genome position (GRCh38, 1-based): chr2:168,932,467, A>T on the plus strand (T>A on the coding strand, the complement: ABCB11 is on the minus strand). VCF-style: chr2-168932467-A-T. GRCh37 (hg19) VCF-style: chr2-169788977-A-T.
Other names: short protein forms Y1041*.
Identifiers: ClinVar variation 4846221 (VCV004846221.1).